The following is an entry in ClinVar:

ClinVar aggregate classification (germline): Conflicting classifications of pathogenicity. Review status: criteria provided, conflicting classifications (1 of 4 stars). 11 submissions from 11 submitters: Uncertain significance (3); Benign (1); Likely benign (6). 1 of the submissions does not count toward it. Last evaluated 2026-01-27.

Conditions:
TSC2-related disorder. Also called: TSC2-related condition; TSC2-Related Disorders.
Hereditary cancer-predisposing syndrome. Also called: Tumor predisposition; Neoplastic Syndromes, Hereditary; Hereditary neoplastic syndrome; Hereditary Cancer Syndrome. Identifiers: Orphanet 140162, MedGen C0027672, MeSH D009386, MONDO:0015356.
Tuberous sclerosis syndrome (TSC). Also called: Tuberous sclerosis; Tuberous Sclerosis Complex. Identifiers: Orphanet 805, MedGen C0041341, MONDO:0001734.
Tuberous sclerosis 2 (TSC2). Identifiers: Orphanet 805, MedGen C1860707, MONDO:0013199, OMIM 613254.

Allele frequency attached by ClinVar (database versions not stated): gnomAD exomes 0.00002 and 0.00003; ExAC 0.00003; gnomAD 0.00003 and 0.00004; TOPMed 0.00004.
gnomAD v4.1: 40 of 1,612,764 alleles (0.0025%); highest among the groups gnomAD compares: Admixed American, 0.0033%; no homozygotes.

Submissions (11):

Labcorp Genetics (formerly Invitae), Labcorp
Classification: Benign for Tuberous sclerosis 2. Last evaluated: 2026-01-27. Review status: criteria provided, single submitter. Criteria: Invitae Variant Classification Sherloc (09022015). Collection method: clinical testing. Allele origin: germline.

Women's Health and Genetics/Laboratory Corporation of America, LabCorp
Classification: Likely benign. Last evaluated: 2025-03-20. Review status: criteria provided, single submitter. Criteria: LabCorp Variant Classification Summary - May 2015. Collection method: clinical testing. Allele origin: germline.
Comment: Variant summary: TSC2 c.5308C>T (p.Pro1770Ser) results in a non-conservative amino acid change in the encoded protein sequence. Three of five in-silico tools predict a benign effect of the variant on protein function. The variant allele was found at a frequency of 2e-05 in 250186 control chromosomes. The available data on variant occurrences in the general population are insufficient to allow any conclusion about variant significance. This variant has been observed in an unaffected individual, providing supporting evidence for a benign role (Labcorp, formerly Invitae). To our knowledge, no occurrence of c.5308C>T in individuals affected with Tuberous Sclerosis Complex and no experimental evidence demonstrating its impact on protein function have been reported. ClinVar contains an entry for this variant (Variation ID: 318338). Based on the evidence outlined above, the variant was classified as likely benign.

Quest Diagnostics Nichols Institute San Juan Capistrano
Classification: Uncertain significance. Last evaluated: 2024-07-09. Review status: criteria provided, single submitter. Criteria: Quest Diagnostics criteria. Collection method: clinical testing. Allele origin: unknown.

Revvity Omics, Revvity
Classification: Uncertain significance for Tuberous sclerosis 2. Last evaluated: 2023-11-22. Review status: criteria provided, single submitter. Criteria: ACMG Guidelines, 2015. Collection method: clinical testing. Allele origin: germline.

CeGaT Center for Human Genetics Tuebingen
Classification: Uncertain significance. Last evaluated: 2023-07-01. Review status: criteria provided, single submitter. Criteria: CeGaT Center For Human Genetics Tuebingen Variant Classification Criteria Version 2. Collection method: clinical testing. Allele origin: germline. Affected: yes. Observed: 1 variant allele.

Ambry Genetics
Classification: Likely benign for Hereditary cancer-predisposing syndrome. Last evaluated: 2023-01-13. Review status: criteria provided, single submitter. Criteria: Ambry Variant Classification Scheme 2023. Collection method: clinical testing. Allele origin: germline.

Color Diagnostics, LLC DBA Color Health
Classification: Likely benign for Tuberous sclerosis syndrome. Last evaluated: 2023-01-10. Review status: criteria provided, single submitter. Criteria: ACMG Guidelines, 2015. Collection method: clinical testing. Allele origin: germline.

Sema4
Classification: Likely benign for Hereditary cancer-predisposing syndrome. Last evaluated: 2022-03-09. Review status: criteria provided, single submitter. Criteria: Sema4 Curation Guidelines. Collection method: curation. Allele origin: germline.

Genome-Nilou Lab
Classification: Likely benign for Tuberous sclerosis 2. Last evaluated: 2021-11-07. Review status: criteria provided, single submitter. Criteria: ACMG Guidelines, 2015. Collection method: clinical testing. Allele origin: germline. Affected: no.

GeneDx
Classification: Likely benign. Last evaluated: 2020-09-14. Review status: criteria provided, single submitter. Criteria: GeneDx Variant Classification Process June 2021. Collection method: clinical testing. Allele origin: germline. Affected: yes.
Comment: In silico analysis supports that this missense variant does not alter protein structure/function

PreventionGenetics, part of Exact Sciences
Classification: Likely benign for TSC2-related condition. Last evaluated: 2024-02-02. Review status: no assertion criteria provided. Collection method: clinical testing. Allele origin: germline. Not counted in ClinVar's aggregate classification.
Comment: This variant is classified as likely benign based on ACMG/AMP sequence variant interpretation guidelines (Richards et al. 2015 PMID: 25741868, with internal and published modifications).

NM_000548.5(TSC2):c.5308C>T (p.Pro1770Ser)

Gene: TSC2 (TSC complex subunit 2; plus strand). Cytogenetic location: 16p13.3.
Variant type: single nucleotide variant.
Coding change: c.5308C>T on transcript NM_000548.5 (MANE Select); coding-DNA position 5308, C replaced by T.
Protein change: p.Pro1770Ser; replaces proline 1770 with serine.
Molecular consequence: missense variant.
Genome position (GRCh38, 1-based): chr16:2,088,494, C>T. VCF-style: chr16-2088494-C-T. GRCh37 (hg19) VCF-style: chr16-2138495-C-T.
Other names: c.5107C>T, p.Pro1703Ser (NM_001077183.3); c.5239C>T, p.Pro1747Ser (NM_001114382.3); c.4999C>T, p.Pro1667Ser (NM_001318827.2); c.4963C>T, p.Pro1655Ser (NM_001318829.2); c.4576C>T, p.Pro1526Ser (NM_001318831.2); c.5140C>T, p.Pro1714Ser (NM_001318832.2); c.5110C>T, p.Pro1704Ser (NM_001363528.2); c.5176C>T, p.Pro1726Ser (NM_001370404.1); and 3 more; short protein forms P1770S, P1667S, P1703S, P1704S, P1714S, P1747S, P1727S, P1723S.
Identifiers: ClinVar variation 318338 (VCV000318338.54), dbSNP rs761181064, ClinGen allele CA055015.
Genomic context (GRCh38, chr16:2,088,494, plus strand): 5'-CTCTGCCTTCAGATCTGCGAGGAAGCCGCCTACTCCAACCCCAGCCTACCTCTGGTGCAC[C>T]CTCCGTCCCATAGCAAAGCCCCTGCACAGACTCCAGCCGAGCCCACACCTGGCTATGAGG-3'
Protein context (NP_000539.2, residues 1760-1780): YSNPSLPLVH[Pro1770Ser]PSHSKAPAQT